The following is an entry in ClinVar:

ClinVar aggregate classification (germline): Uncertain significance (1 of 4 stars; one submission).

Submission:

ISCA site 4
Classification: Uncertain significance. Last evaluated: 2011-08-12. Review status: criteria provided, single submitter. Criteria: Kaminsky et al. (Genet Med. 2011). Collection method: clinical testing. Allele origin: unknown. Affected: yes. Observed: 1 variant allele.
Comment: Copy number variation identified through the course of routine clinical cytogenomic testing in postnatal populations. Clinical assertions have been curated as described in Kaminsky et al. 2011.

GRCh38/hg38 Xp22.11-21.3(chrX:24715187-25004423)x3

Genes: ARX (aristaless related homeobox; minus strand), POLA1 (DNA polymerase alpha 1, catalytic subunit; plus strand), SCARNA23 (small Cajal body-specific RNA 23; plus strand), LOC110120592 (VISTA enhancer hs118; plus strand), LOC110120593 (VISTA enhancer hs119; plus strand) and 3 more. Cytogenetic location: Xp22.11-21.3.
Variant type: copy number gain.
Change: copy number 3 of chrX:24,715,187-25,004,423 (289.2 kb, GRCh38 coordinates, 1-based), cytogenetic band Xp22.11-21.3.
Identifiers: ClinVar variation 57289 (VCV000057289.1).